The following is an entry in ClinVar:

ClinVar aggregate classification (germline): Conflicting classifications of pathogenicity. Review status: criteria provided, conflicting classifications (1 of 4 stars). 6 submissions from 6 submitters: Uncertain significance (1); Likely benign (5). Last evaluated 2025-09-17.

Allele frequency attached by ClinVar (database versions not stated): gnomAD exomes 0.00008 and 0.00012; gnomAD 0.00011 and 0.00013; ExAC 0.00012; TOPMed 0.00013; ESP Exome Variant Server 0.00023.
gnomAD v4.1: 149 of 1,614,050 alleles (0.0092%); highest among the groups gnomAD compares: Middle Eastern, 0.26%; no homozygotes.

Submissions (6):

Labcorp Genetics (formerly Invitae), Labcorp
Classification: Likely benign. Last evaluated: 2025-09-17. Review status: criteria provided, single submitter. Criteria: Invitae Variant Classification Sherloc (09022015). Collection method: clinical testing. Allele origin: germline.

Blueprint Genetics
Classification: Likely benign. Last evaluated: 2024-11-25. Review status: criteria provided, single submitter. Criteria: ACMG Guidelines, 2015. Collection method: clinical testing. Allele origin: germline.

CeGaT Center for Human Genetics Tuebingen
Classification: Likely benign. Last evaluated: 2024-11-01. Review status: criteria provided, single submitter. Criteria: CeGaT Center For Human Genetics Tuebingen Variant Classification Criteria Version 2. Collection method: clinical testing. Allele origin: germline. Affected: yes. Observed: 4 variant alleles.
Comment: WDR62: BP4, BP7

GeneDx
Classification: Likely benign. Last evaluated: 2018-08-08. Review status: criteria provided, single submitter. Criteria: GeneDx Variant Classification Process June 2021. Collection method: clinical testing. Allele origin: germline. Affected: yes.

Genetic Services Laboratory, University of Chicago
Classification: Likely benign. Last evaluated: 2016-04-25. Review status: criteria provided, single submitter. Criteria: ACMG Guidelines, 2015. Collection method: clinical testing. Allele origin: germline. Affected: no.

Eurofins Ntd Llc (ga)
Classification: Uncertain significance. Last evaluated: 2015-11-22. Review status: criteria provided, single submitter. Criteria: EGL Classification Definitions 2015. Collection method: clinical testing. Allele origin: germline. Observed: 1 variant allele, 1 heterozygote.

NM_001083961.2(WDR62):c.2766C>T (p.Arg922=)

Gene: WDR62 (WD repeat domain 62; plus strand). Cytogenetic location: 19q13.12.
Variant type: single nucleotide variant.
Coding change: c.2766C>T on transcript NM_001083961.2 (MANE Select); coding-DNA position 2766, C replaced by T.
Protein change: p.Arg922=; no amino-acid change (arginine 922 retained).
Molecular consequence: synonymous variant.
Genome position (GRCh38, 1-based): chr19:36,100,774, C>T. VCF-style: chr19-36100774-C-T. GRCh37 (hg19) VCF-style: chr19-36591676-C-T.
Other names: c.2766C>T, p.Arg922= (NM_173636.5).
Identifiers: ClinVar variation 284201 (VCV000284201.48), dbSNP rs373906889, ClinGen allele CA9396053.